The following is an entry in ClinVar:

NM_014679.5(CEP57):c.460A>G (p.Ile154Val)

Gene: CEP57 (centrosomal protein 57; plus strand). Cytogenetic location: 11q21.
Variant type: single nucleotide variant.
Coding change: c.460A>G on transcript NM_014679.5 (MANE Select); coding-DNA position 460, A replaced by G.
Protein change: p.Ile154Val; replaces isoleucine 154 with valine.
Molecular consequence: missense variant.
Genome position (GRCh38, 1-based): chr11:95,813,545, A>G. VCF-style: chr11-95813545-A-G. GRCh37 (hg19) VCF-style: chr11-95546709-A-G.
Other names: c.460A>G, p.Ile154Val (NM_001440879.1, NM_001440882.1, NM_001243777.2 and 4 more transcripts); c.199A>G, p.Ile67Val (NM_001440880.1); c.280A>G, p.Ile94Val (NM_001440881.1, NM_001440873.1); c.433A>G, p.Ile145Val (NM_001243776.2); c.379A>G, p.Ile127Val (NM_001363604.2, NM_001440869.1, NM_001440870.1 and 3 more transcripts); short protein forms I145V, I67V, I127V, I94V, I154V.
Identifiers: ClinVar variation 4226341 (VCV004226341.1).

ClinVar aggregate classification (germline): Uncertain significance (1 of 4 stars; one submission).

Conditions:
Inborn genetic diseases. Identifiers: MedGen C0950123, MeSH D030342.

gnomAD v4.1: 1 of 1,613,252 alleles (0.000062%); highest among the groups gnomAD compares: Non-Finnish European, 0.000085%; no homozygotes.

Submission:

Ambry Genetics
Classification: Uncertain significance for Inborn genetic diseases. Last evaluated: 2025-07-04. Review status: criteria provided, single submitter. Criteria: Ambry Variant Classification Scheme 2023. Collection method: clinical testing. Allele origin: germline.
Comment: The p.I154V variant (also known as c.460A>G), located in coding exon 4 of the CEP57 gene, results from an A to G substitution at nucleotide position 460. The isoleucine at codon 154 is replaced by valine, an amino acid with highly similar properties. This amino acid position is conserved. In addition, this alteration is predicted to be tolerated by in silico analysis. Based on the available evidence, the clinical significance of this variant remains unclear.